The following is an entry in ClinVar:

ClinVar aggregate classification (germline): Uncertain significance. Review status: criteria provided, multiple submitters, no conflicts (2 of 4 stars). 4 submissions from 4 submitters: Uncertain significance (4). Last evaluated 2023-08-18.

Conditions:
Noonan syndrome 9 (NS9). Identifiers: Orphanet 648, MedGen C4225282, MONDO:0014691, OMIM 616559.

Allele frequency attached by ClinVar (database versions not stated): gnomAD exomes below 0.00001.

Submissions (4):

Blueprint Genetics
Classification: Uncertain significance. Last evaluated: 2023-08-18. Review status: criteria provided, single submitter. Criteria: ACMG Guidelines, 2015. Collection method: clinical testing. Allele origin: germline.

Labcorp Genetics (formerly Invitae), Labcorp
Classification: Uncertain significance for Noonan syndrome 9. Last evaluated: 2021-07-15. Review status: criteria provided, single submitter. Criteria: Invitae Variant Classification Sherloc (09022015). Collection method: clinical testing. Allele origin: germline.
Comment: This variant is not present in population databases (ExAC no frequency). This sequence change replaces aspartic acid with glycine at codon 174 of the SOS2 protein (p.Asp174Gly). The aspartic acid residue is highly conserved and there is a moderate physicochemical difference between aspartic acid and glycine. This variant has not been reported in the literature in individuals affected with SOS2-related conditions. In summary, the available evidence is currently insufficient to determine the role of this variant in disease. Therefore, it has been classified as a Variant of Uncertain Significance. Algorithms developed to predict the effect of missense changes on protein structure and function (SIFT, PolyPhen-2, Align-GVGD) all suggest that this variant is likely to be tolerated.

GeneDx
Classification: Uncertain significance. Last evaluated: 2020-02-01. Review status: criteria provided, single submitter. Criteria: GeneDx Variant Classification Process June 2021. Collection method: clinical testing. Allele origin: germline. Affected: yes.
Comment: Not observed in large population cohorts (Lek et al., 2016); In silico analysis supports that this missense variant has a deleterious effect on protein structure/function; Has not been previously published as pathogenic or benign to our knowledge

Genome-Nilou Lab
Classification: Uncertain significance for Noonan syndrome 9. Review status: criteria provided, single submitter. Criteria: ACMG Guidelines, 2015. Collection method: clinical testing. Allele origin: germline.

NM_006939.4(SOS2):c.521A>G (p.Asp174Gly)

Gene: SOS2 (SOS Ras/Rho guanine nucleotide exchange factor 2; minus strand). Cytogenetic location: 14q21.3.
Variant type: single nucleotide variant.
Coding change: c.521A>G on transcript NM_006939.4 (MANE Select); coding-DNA position 521, A replaced by G.
Protein change: p.Asp174Gly; replaces aspartic acid 174 with glycine.
Molecular consequence: missense variant.
Genome position (GRCh38, 1-based): chr14:50,188,690, T>C on the plus strand (A>G on the coding strand, the complement: SOS2 is on the minus strand). VCF-style: chr14-50188690-T-C. GRCh37 (hg19) VCF-style: chr14-50655408-T-C.
Other names: short protein forms D174G.
Identifiers: ClinVar variation 1311663 (VCV001311663.11), dbSNP rs2139734704, ClinGen allele CA389648353.